The following is an entry in ClinVar:

ClinVar aggregate classification (germline): Uncertain significance (1 of 4 stars; one submission).

Submission:

Labcorp Genetics (formerly Invitae), Labcorp
Classification: Uncertain significance. Last evaluated: 2023-10-05. Review status: criteria provided, single submitter. Criteria: Invitae Variant Classification Sherloc (09022015). Collection method: clinical testing. Allele origin: germline.
Comment: This sequence change replaces glycine, which is neutral and non-polar, with arginine, which is basic and polar, at codon 1227 of the CARMIL2 protein (p.Gly1227Arg). This variant is present in population databases (no rsID available, gnomAD 0.002%). This variant has not been reported in the literature in individuals affected with CARMIL2-related conditions. An algorithm developed to predict the effect of missense changes on protein structure and function (PolyPhen-2) suggests that this variant is likely to be disruptive. In summary, the available evidence is currently insufficient to determine the role of this variant in disease. Therefore, it has been classified as a Variant of Uncertain Significance.

NM_001013838.3(CARMIL2):c.3679G>A (p.Gly1227Arg)

Gene: CARMIL2 (capping protein regulator and myosin 1 linker 2; plus strand). Cytogenetic location: 16q22.1.
Variant type: single nucleotide variant.
Coding change: c.3679G>A on transcript NM_001013838.3 (MANE Select); coding-DNA position 3679, G replaced by A.
Protein change: p.Gly1227Arg; replaces glycine 1227 with arginine.
Molecular consequence: missense variant.
Genome position (GRCh38, 1-based): chr16:67,654,874, G>A. VCF-style: chr16-67654874-G-A. GRCh37 (hg19) VCF-style: chr16-67688777-G-A.
Other names: c.3571G>A, p.Gly1191Arg (NM_001317026.3); short protein forms G1191R, G1227R.
Identifiers: ClinVar variation 3010052 (VCV003010052.1), dbSNP rs754033316, ClinGen allele CA396345938.